The following is an entry in ClinVar:

ClinVar aggregate classification (germline): Conflicting classifications of pathogenicity. Review status: criteria provided, conflicting classifications (1 of 4 stars). 3 submissions from 3 submitters: Uncertain significance (1); Likely benign (2). Last evaluated 2025-09-15.

Conditions:
Neonatal diabetes mellitus with congenital hypothyroidism. Also called: NDH SYNDROME. Identifiers: Orphanet 79118, MedGen C1857775, MONDO:0012436, OMIM 610199.

Allele frequency attached by ClinVar (database versions not stated): TOPMed 0.00001; gnomAD exomes 0.00003; ExAC 0.00004; gnomAD 0.00005.
gnomAD v4.1: 40 of 1,178,716 alleles (0.0034%); highest among the groups gnomAD compares: Non-Finnish European, 0.0039%; no homozygotes.

Submissions (3):

Labcorp Genetics (formerly Invitae), Labcorp
Classification: Likely benign. Last evaluated: 2025-09-15. Review status: criteria provided, single submitter. Criteria: Invitae Variant Classification Sherloc (09022015). Collection method: clinical testing. Allele origin: germline.

CeGaT Center for Human Genetics Tuebingen
Classification: Likely benign. Last evaluated: 2024-11-01. Review status: criteria provided, single submitter. Criteria: CeGaT Center For Human Genetics Tuebingen Variant Classification Criteria Version 2. Collection method: clinical testing. Allele origin: germline. Affected: yes. Observed: 2 variant alleles.
Comment: GLIS3: BP4, BP7

Illumina Laboratory Services, Illumina
Classification: Uncertain significance for Neonatal diabetes mellitus with congenital hypothyroidism. Last evaluated: 2018-01-13. Review status: criteria provided, single submitter. Criteria: ICSL Variant Classification Criteria 13 December 2019. Collection method: clinical testing. Allele origin: germline.

NM_001042413.2(GLIS3):c.1368A>T (p.Pro456=)

Gene: GLIS3 (GLIS family zinc finger 3; minus strand). Cytogenetic location: 9p24.2.
Variant type: single nucleotide variant.
Coding change: c.1368A>T on transcript NM_001042413.2 (MANE Select); coding-DNA position 1368, A replaced by T.
Protein change: p.Pro456=; no amino-acid change (proline 456 retained).
Molecular consequence: synonymous variant.
Genome position (GRCh38, 1-based): chr9:4,118,110, T>A on the plus strand (A>T on the coding strand, the complement: GLIS3 is on the minus strand). VCF-style: chr9-4118110-T-A. GRCh37 (hg19) VCF-style: chr9-4118110-T-A.
Other names: c.903A>T, p.Pro301= (NM_152629.4).
Identifiers: ClinVar variation 366979 (VCV000366979.36), dbSNP rs755087869, ClinGen allele CA4968216.
Genomic context (GRCh38, chr9:4,118,110, plus strand): 5'-GTGGGGCCCGAGCTCCGGGTGGTGAAGGTGCGCATGGGCATGGTAAGGGGGTGGGGGGCC[T>A]GGGGGCGGCGGCAGAGGAGGGAGCGGAGGCGCGGGGGGTAGGTCTACGGTGCTGCCCGGG-3'
Protein context (NP_001035878.1, residues 446-466): APPLPPLPPP[Pro456=]GPPPPYHAHA